The following is an entry in ClinVar:

NM_014915.3(ANKRD26):c.2852A>C (p.Glu951Ala)

Gene: ANKRD26 (ankyrin repeat domain 26; minus strand). Cytogenetic location: 10p12.1.
Variant type: single nucleotide variant.
Coding change: c.2852A>C on transcript NM_014915.3 (MANE Select); coding-DNA position 2852, A replaced by C.
Protein change: p.Glu951Ala; replaces glutamic acid 951 with alanine.
Molecular consequence: missense variant.
Genome position (GRCh38, 1-based): chr10:27,035,598, T>G on the plus strand (A>C on the coding strand, the complement: ANKRD26 is on the minus strand). VCF-style: chr10-27035598-T-G. GRCh37 (hg19) VCF-style: chr10-27324527-T-G.
Other names: c.2849A>C, p.Glu950Ala (NM_001256053.2); short protein forms E951A, E950A.
Identifiers: ClinVar variation 4826413 (VCV004826413.1).

ClinVar aggregate classification (germline): Uncertain significance (1 of 4 stars; one submission).

Conditions:
Inborn genetic diseases. Identifiers: MedGen C0950123, MeSH D030342.

gnomAD v4.1: 1 of 1,606,144 alleles (0.000062%); highest among the groups gnomAD compares: Non-Finnish European, 0.000085%; no homozygotes.

Submission:

Ambry Genetics
Classification: Uncertain significance for Inborn genetic diseases. Last evaluated: 2026-03-03. Review status: criteria provided, single submitter. Criteria: Ambry Variant Classification Scheme 2023. Collection method: clinical testing. Allele origin: germline.
Comment: The p.E951A variant (also known as c.2852A>C), located in coding exon 24 of the ANKRD26 gene, results from an A to C substitution at nucleotide position 2852. The glutamic acid at codon 951 is replaced by alanine, an amino acid with dissimilar properties. This amino acid position is conserved. In addition, this alteration is predicted to be tolerated by in silico analysis. Based on the available evidence, the clinical significance of this variant remains unclear.